The following is an entry in ClinVar:

ClinVar aggregate classification (germline): Likely benign. Review status: criteria provided, multiple submitters, no conflicts (2 of 4 stars). 2 submissions from 2 submitters: Likely benign (2). Last evaluated 2025-03-12.

Conditions:
CUBN-related disorder. Also called: CUBN-related condition.

Allele frequency attached by ClinVar (database versions not stated): gnomAD exomes 0.00001; ExAC 0.00002; gnomAD 0.00002; TOPMed 0.00002.
gnomAD v4.1: 22 of 1,613,932 alleles (0.0014%); highest among the groups gnomAD compares: African/African-American, 0.0053%; no homozygotes.

Submissions (2):

PreventionGenetics, part of Exact Sciences
Classification: Likely benign for CUBN-related condition. Last evaluated: 2025-03-12. Review status: criteria provided, single submitter. Criteria: ACMG Guidelines, 2015. Collection method: clinical testing. Allele origin: germline.
Comment: This variant is classified as likely benign based on ACMG/AMP sequence variant interpretation guidelines (Richards et al. 2015 PMID: 25741868, with internal and published modifications).

CeGaT Center for Human Genetics Tuebingen
Classification: Likely benign. Last evaluated: 2022-08-01. Review status: criteria provided, single submitter. Criteria: CeGaT Center For Human Genetics Tuebingen Variant Classification Criteria Version 2. Collection method: clinical testing. Allele origin: germline. Affected: yes. Observed: 1 variant allele.
Comment: CUBN: BP4, BP7

NM_001081.4(CUBN):c.1587C>T (p.His529=)

Gene: CUBN (cubilin; minus strand). Cytogenetic location: 10p13.
Variant type: single nucleotide variant.
Coding change: c.1587C>T on transcript NM_001081.4 (MANE Select); coding-DNA position 1587, C replaced by T.
Protein change: p.His529=; no amino-acid change (histidine 529 retained).
Molecular consequence: synonymous variant.
Genome position (GRCh38, 1-based): chr10:17,100,183, G>A on the plus strand (C>T on the coding strand, the complement: CUBN is on the minus strand). VCF-style: chr10-17100183-G-A. GRCh37 (hg19) VCF-style: chr10-17142182-G-A.
Identifiers: ClinVar variation 2640330 (VCV002640330.25), dbSNP rs201018997, ClinGen allele CA5425236.